The following is an entry in ClinVar:

ClinVar aggregate classification (germline): Uncertain significance (1 of 4 stars; one submission).

Conditions:
Hereditary cancer-predisposing syndrome. Also called: Neoplastic Syndromes, Hereditary; Tumor predisposition; Hereditary Cancer Syndrome; Hereditary neoplastic syndrome. Identifiers: Orphanet 140162, MedGen C0027672, MeSH D009386, MONDO:0015356.

Submission:

Ambry Genetics
Classification: Uncertain significance for Hereditary cancer-predisposing syndrome. Last evaluated: 2026-02-16. Review status: criteria provided, single submitter. Criteria: Ambry Variant Classification Scheme 2023. Collection method: clinical testing. Allele origin: germline.
Comment: The p.L231V variant (also known as c.691C>G), located in coding exon 2 of the HOXB13 gene, results from a C to G substitution at nucleotide position 691. The leucine at codon 231 is replaced by valine, an amino acid with highly similar properties. This amino acid position is conserved. In addition, this alteration is predicted to be deleterious by in silico analysis. Based on the available evidence, the clinical significance of this variant remains unclear.

NM_006361.6(HOXB13):c.691C>G (p.Leu231Val)

Gene: HOXB13 (homeobox B13; minus strand). Cytogenetic location: 17q21.32.
Variant type: single nucleotide variant.
Coding change: c.691C>G on transcript NM_006361.6 (MANE Select); coding-DNA position 691, C replaced by G.
Protein change: p.Leu231Val; replaces leucine 231 with valine.
Molecular consequence: missense variant.
Genome position (GRCh38, 1-based): chr17:48,726,954, G>C on the plus strand (C>G on the coding strand, the complement: HOXB13 is on the minus strand). VCF-style: chr17-48726954-G-C. GRCh37 (hg19) VCF-style: chr17-46804316-G-C.
Other names: short protein forms L231V.
Identifiers: ClinVar variation 4844726 (VCV004844726.1).